The following is an entry in ClinVar:

ClinVar aggregate classification (germline): Likely benign. Review status: criteria provided, single submitter (1 of 4 stars). 2 submissions from 2 submitters: Likely benign (1). 1 of the submissions does not count toward it. Last evaluated 2023-06-29.

Conditions:
CC2D2A-related disorder. Also called: CC2D2A-related condition; CC2D2A-related disorders. Identifiers: MedGen CN239313.
Joubert syndrome. Also called: JOUBERT-BOLTSHAUSER SYNDROME; Familial aplasia of the vermis. Identifiers: Orphanet 475, MedGen C5979921, MONDO:0018772.
Meckel-Gruber syndrome. Also called: DYSENCEPHALIA SPLANCHNOCYSTICA; GRUBER SYNDROME; Dysencephalia splachnocystica. Identifiers: Orphanet 564, MedGen C0265215, MONDO:0018921.

Submissions (2):

Labcorp Genetics (formerly Invitae), Labcorp
Classification: Likely benign for Joubert syndrome; Meckel-Gruber syndrome. Last evaluated: 2023-06-29. Review status: criteria provided, single submitter. Criteria: Invitae Variant Classification Sherloc (09022015). Collection method: clinical testing. Allele origin: germline.

PreventionGenetics, part of Exact Sciences
Classification: Likely benign for CC2D2A-related condition. Last evaluated: 2022-02-03. Review status: no assertion criteria provided. Collection method: clinical testing. Allele origin: germline. Not counted in ClinVar's aggregate classification.
Comment: This variant is classified as likely benign based on ACMG/AMP sequence variant interpretation guidelines (Richards et al. 2015 PMID: 25741868, with internal and published modifications).

NM_001378615.1(CC2D2A):c.1122G>A (p.Lys374=)

Genes: CC2D2A (coiled-coil and C2 domain containing 2A; plus strand), FBXL5 (F-box and leucine rich repeat protein 5; minus strand). Cytogenetic location: 4p15.32.
Variant type: single nucleotide variant.
Coding change: c.1122G>A on transcript NM_001378615.1 (MANE Select); coding-DNA position 1122, G replaced by A.
Protein change: p.Lys374=; no amino-acid change (lysine 374 retained).
Molecular consequence: synonymous variant.
Genome position (GRCh38, 1-based): chr4:15,516,729, G>A. VCF-style: chr4-15516729-G-A. GRCh37 (hg19) VCF-style: chr4-15518352-G-A.
Other names: c.1122G>A, p.Lys374= (NM_001080522.2); c.975G>A, p.Lys325= (NM_001378617.1).
Identifiers: ClinVar variation 2933768 (VCV002933768.5), dbSNP rs2474926869, ClinGen allele CA438382106.